The following is an entry in ClinVar:

ClinVar aggregate classification (germline): Pathogenic (1 of 4 stars; one submission).

gnomAD v4.1: 1 of 1,537,970 alleles (0.000065%); highest among the groups gnomAD compares: African/African-American, 0.0015%; no homozygotes.

Submission:

Labcorp Genetics (formerly Invitae), Labcorp
Classification: Pathogenic. Last evaluated: 2023-01-19. Review status: criteria provided, single submitter. Criteria: Invitae Variant Classification Sherloc (09022015). Collection method: clinical testing. Allele origin: germline.
Comment: For these reasons, this variant has been classified as Pathogenic. This variant has not been reported in the literature in individuals affected with ATP8B1-related conditions. This variant is not present in population databases (gnomAD no frequency). This sequence change creates a premature translational stop signal (p.Gln711*) in the ATP8B1 gene. It is expected to result in an absent or disrupted protein product. Loss-of-function variants in ATP8B1 are known to be pathogenic (PMID: 15239083, 22525741).

Literature cited by the submitters: PubMed 15239083; PubMed 22525741.

NM_001374385.1(ATP8B1):c.2131C>T (p.Gln711Ter)

Genes: ATP8B1 (ATPase phospholipid transporting 8B1; minus strand), ATP8B1-AS1 (ATP8B1 antisense RNA 1; plus strand). Cytogenetic location: 18q21.31.
Variant type: single nucleotide variant.
Coding change: c.2131C>T on transcript NM_001374385.1 (MANE Select); coding-DNA position 2131, C replaced by T.
Protein change: p.Gln711Ter; replaces glutamine 711 with a stop codon.
Molecular consequence: nonsense. On other transcripts: non-coding transcript variant (1).
Genome position (GRCh38, 1-based): chr18:57,668,507, G>A on the plus strand (C>T on the coding strand, the complement: ATP8B1 is on the minus strand). VCF-style: chr18-57668507-G-A. GRCh37 (hg19) VCF-style: chr18-55335739-G-A.
Other names: c.1981C>T, p.Gln661Ter (NM_001374386.1); c.2131C>T, p.Gln711Ter (NM_005603.6); short protein forms Q661*, Q711*.
Identifiers: ClinVar variation 2830014 (VCV002830014.3), dbSNP rs2511685048, ClinGen allele CA402555495.
Genomic context (GRCh38, chr18:57,668,507, plus strand): 5'-GCACCCAGATCTTAATGTCAGCTTTTGCAAGTTTTGAAATGGTTTCTGGAACTCCATCCT[G>A]TAGCTTGTCTTCAATAGCTGTAGCTCCCAGGAGCTAGAATGTATATTAAAAAAAAAAAAA-3'